The following is an entry in ClinVar:

NM_017617.5(NOTCH1):c.19C>A (p.Pro7Thr)

Genes: NOTCH1 (notch receptor 1; minus strand), LOC130003020 (ATAC-STARR-seq lymphoblastoid silent region 20528; plus strand). Cytogenetic location: 9q34.3.
Variant type: single nucleotide variant.
Coding change: c.19C>A on transcript NM_017617.5 (MANE Select); coding-DNA position 19, C replaced by A.
Protein change: p.Pro7Thr; replaces proline 7 with threonine.
Molecular consequence: missense variant.
Genome position (GRCh38, 1-based): chr9:136,545,768, G>T on the plus strand (C>A on the coding strand, the complement: NOTCH1 is on the minus strand). VCF-style: chr9-136545768-G-T. GRCh37 (hg19) VCF-style: chr9-139440220-G-T.
Other names: short protein forms P7T.
Identifiers: ClinVar variation 1307793 (VCV001307793.2), dbSNP rs1397523469, ClinGen allele CA375579887.

ClinVar aggregate classification (germline): Uncertain significance (1 of 4 stars; one submission).

Allele frequency attached by ClinVar (database versions not stated): gnomAD exomes 0.00002.
gnomAD v4.1: 2 of 1,363,248 alleles (0.00015%); highest among the groups gnomAD compares: Admixed American, 0.0063%; no homozygotes.

Submission:

GeneDx
Classification: Uncertain significance. Last evaluated: 2019-08-07. Review status: criteria provided, single submitter. Criteria: GeneDx Variant Classification Process June 2021. Collection method: clinical testing. Allele origin: germline. Affected: yes.
Comment: Has not been previously published as pathogenic or benign to our knowledge; Not observed at a significant frequency in large population cohorts (Lek et al., 2016); In silico analysis, which includes protein predictors and evolutionary conservation, supports that this variant does not alter protein structure/function